The following is an entry in ClinVar:

ClinVar aggregate classification (germline): Uncertain significance (1 of 4 stars; one submission).

Submission:

GeneDx
Classification: Uncertain significance. Last evaluated: 2019-05-03. Review status: criteria provided, single submitter. Criteria: GeneDx Variant Classification Process June 2021. Collection method: clinical testing. Allele origin: germline. Affected: yes.
Comment: Not observed in large population cohorts (Lek et al., 2016); In silico analysis, which includes splice predictors and evolutionary conservation, supports that this variant does not alter protein structure/function; Has not been previously published as pathogenic or benign to our knowledge

NM_001167623.2(CACNA1C):c.1160G>C (p.Ser387Thr)

Gene: CACNA1C (calcium voltage-gated channel subunit alpha1 C; plus strand). Cytogenetic location: 12p13.33.
Variant type: single nucleotide variant.
Coding change: c.1160G>C on transcript NM_001167623.2 (MANE Plus Clinical); coding-DNA position 1160, G replaced by C.
Protein change: p.Ser387Thr; replaces serine 387 with threonine.
Molecular consequence: missense variant. On other transcripts: intron variant (19).
Genome position (GRCh38, 1-based): chr12:2,504,482, G>C. VCF-style: chr12-2504482-G-C. GRCh37 (hg19) VCF-style: chr12-2613648-G-C.
Other names: c.1160G>C, p.Ser387Thr (NM_001129840.2, NM_001167624.3, NM_001167625.2); c.1114-360G>C (NM_199460.4, NM_001129827.2, NM_001129832.2 and 15 more transcripts); c.1105-360G>C (NM_001129844.2); short protein forms S387T.
Identifiers: ClinVar variation 1305756 (VCV001305756.2), dbSNP rs2154577329, ClinGen allele CA383370673.